The following is an entry in ClinVar:

NM_003221.4(TFAP2B):c.767G>A (p.Arg256Gln)

Gene: TFAP2B (transcription factor AP-2 beta; plus strand). Cytogenetic location: 6p12.3.
Variant type: single nucleotide variant.
Coding change: c.767G>A on transcript NM_003221.4 (MANE Select); coding-DNA position 767, G replaced by A.
Protein change: p.Arg256Gln; replaces arginine 256 with glutamine.
Molecular consequence: missense variant.
Genome position (GRCh38, 1-based): chr6:50,836,226, G>A. VCF-style: chr6-50836226-G-A. GRCh37 (hg19) VCF-style: chr6-50803939-G-A.
Other names: short protein forms R256Q.
Identifiers: ClinVar variation 4532031 (VCV004532031.1).

ClinVar aggregate classification (germline): Likely pathogenic (1 of 4 stars; one submission).

Conditions:
TFAP2B-related congenital heart disease spectrum disorder. Identifiers: MedGen CN379031, MONDO:1010098.

gnomAD v4.1: 1 of 1,613,112 alleles (0.000062%); highest among the groups gnomAD compares: Non-Finnish European, 0.000085%; no homozygotes.

Submission:

Victorian Clinical Genetics Services, Murdoch Childrens Research Institute
Classification: Likely pathogenic for TFAP2B-related congenital heart disease spectrum disorder. Last evaluated: 2025-06-22. Review status: criteria provided, single submitter. Criteria: ACMG Guidelines, 2015. Collection method: clinical testing. Allele origin: germline. Affected: yes.
Comment: This variant is classified as Likely pathogenic. Evidence in support of pathogenic classification: Variant is present in gnomAD <0.001 for a dominant condition (v4: 1 heterozygote(s), 0 homozygote(s)); Missense variant predicted to be damaging by in silico tool(s) or highly conserved with a major amino acid change; Very strong and specific phenotype match for this individual. Additional information: Variant is predicted to result in a missense amino acid change from arginine to glutamine; This variant is heterozygous; This gene is associated with autosomal dominant disease; Alternative amino acid change(s) at the same position are present in gnomAD (highest allele count: v4: 1 heterozygote(s), 0 homozygote(s)); This variant has no previous evidence of pathogenicity; No published segregation evidence has been identified for this variant; No published functional evidence has been identified for this variant; No comparable missense variants have previous evidence for pathogenicity; Variant is located in the annotated transcription factor AP-2 domain (DECIPHER); Dominant negative and loss of function are known mechanisms of disease in this gene and are associated with TFAP2B-related congenital heart disease spectrum disorder (MONDO:1010098). Dominant negative is associated with missense variants, while loss of function is associated with premature termination variants (PMID: 11505339, 24507797); Variants in this gene are known to have variable expressivity. Intrafamilial variability has been reported, with some family members exhibiting only facial dysmorphism and clinodactyly (OMIM).

Literature cited by the submitters: PubMed 11505339; PubMed 24507797.